The following is an entry in ClinVar:

NM_181882.3(PRX):c.2719C>T (p.Gln907Ter)

Gene: PRX (periaxin; minus strand). Cytogenetic location: 19q13.2.
Variant type: single nucleotide variant.
Coding change: c.2719C>T on transcript NM_181882.3 (MANE Select); coding-DNA position 2719, C replaced by T.
Protein change: p.Gln907Ter; replaces glutamine 907 with a stop codon.
Molecular consequence: nonsense. On other transcripts: 3 prime UTR variant (1).
Genome position (GRCh38, 1-based): chr19:40,395,633, G>A on the plus strand (C>T on the coding strand, the complement: PRX is on the minus strand). VCF-style: chr19-40395633-G-A. GRCh37 (hg19) VCF-style: chr19-40901540-G-A.
Other names: c.*2924C>T (NM_020956.2); short protein forms Q907*.
Identifiers: ClinVar variation 1029317 (VCV001029317.1), dbSNP rs2079426412, ClinGen allele CA405895721.

ClinVar aggregate classification (germline): Likely pathogenic (1 of 4 stars; one submission).

Conditions:
Charcot-Marie-Tooth disease type 4F. Also called: Charcot-Marie-Tooth disease, demyelinating, type 4F. Identifiers: Orphanet 99952, MedGen C3540453, MONDO:0013959, OMIM 614895.

Submission:

Baylor Genetics
Classification: Likely pathogenic for Charcot-Marie-Tooth disease type 4F. Last evaluated: 2020-11-30. Review status: criteria provided, single submitter. Criteria: ACMG Guidelines, 2015. Collection method: clinical testing. Allele origin: unknown. Affected: yes.
Comment: This variant was determined to be likely pathogenic according to ACMG Guidelines, 2015 [PMID:25741868].